The following is an entry in ClinVar:

NM_001048174.2(MUTYH):c.1315A>T (p.Thr439Ser)

Gene: MUTYH (mutY DNA glycosylase; minus strand). Cytogenetic location: 1p34.1.
Variant type: single nucleotide variant.
Coding change: c.1315A>T on transcript NM_001048174.2 (MANE Select); coding-DNA position 1315, A replaced by T.
Protein change: p.Thr439Ser; replaces threonine 439 with serine.
Molecular consequence: missense variant. On other transcripts: non-coding transcript variant (7).
Genome position (GRCh38, 1-based): chr1:45,331,259, T>A on the plus strand (A>T on the coding strand, the complement: MUTYH is on the minus strand). VCF-style: chr1-45331259-T-A. GRCh37 (hg19) VCF-style: chr1-45796931-T-A.
Other names: c.1315A>T, p.Thr439Ser (NM_001048171.2, NM_001048173.2, NM_001407081.1 and 6 more transcripts); c.1318A>T, p.Thr440Ser (NM_001048172.2, NM_001407078.1, NM_001407086.1 and 1 more transcripts); c.1399A>T, p.Thr467Ser (NM_001128425.2); c.1360A>T, p.Thr454Ser (NM_001293190.2); c.1348A>T, p.Thr450Ser (NM_001293191.2, NM_001407077.1, NM_001407069.1); c.1039A>T, p.Thr347Ser (NM_001293192.2, NM_001293196.2, NM_001407091.1); c.1276A>T, p.Thr426Ser (NM_001407079.1); c.1273A>T, p.Thr425Ser (NM_001407080.1); and 5 more; short protein forms T324S, T439S, T450S, T454S, T467S, T347S, T411S, T425S.
Identifiers: ClinVar variation 4113216 (VCV004113216.1).
Genomic context (GRCh38, chr1:45,331,259, plus strand): 5'-AAACAGCTGCGGTGTGAAATTCCTCCTGCGTCAGCCAGCGAGCACCTGGTGGTACGGTGG[T>A]CACTGGGGTCTGCCCTTCCAAGGCCAGCCCATATACTTGATATGTCAGCTTGATGTGAGA-3'
Protein context (NP_001041639.1, residues 429-449): GLALEGQTPV[Thr439Ser]TVPPGARWLT

ClinVar aggregate classification (germline): Uncertain significance (1 of 4 stars; one submission).

Conditions:
Hereditary cancer-predisposing syndrome. Also called: Tumor predisposition; Neoplastic Syndromes, Hereditary; Hereditary neoplastic syndrome; Hereditary Cancer Syndrome. Identifiers: Orphanet 140162, MedGen C0027672, MeSH D009386, MONDO:0015356.

Submission:

Ambry Genetics
Classification: Uncertain significance for Hereditary cancer-predisposing syndrome. Last evaluated: 2025-08-27. Review status: criteria provided, single submitter. Criteria: Ambry Variant Classification Scheme 2023. Collection method: clinical testing. Allele origin: germline.
Comment: The p.T467S variant (also known as c.1399A>T), located in coding exon 14 of the MUTYH gene, results from an A to T substitution at nucleotide position 1399. The threonine at codon 467 is replaced by serine, an amino acid with similar properties. This amino acid position is conserved. In addition, this alteration is predicted to be tolerated by in silico analysis. Based on the available evidence, the clinical significance of this variant remains unclear.